The following is an entry in ClinVar:

NM_001204.7(BMPR2):c.1771C>T (p.Arg591Ter)

Gene: BMPR2 (bone morphogenetic protein receptor type 2; plus strand). Cytogenetic location: 2q33.2.
Variant type: single nucleotide variant.
Coding change: c.1771C>T on transcript NM_001204.7 (MANE Select); coding-DNA position 1771, C replaced by T.
Protein change: p.Arg591Ter; replaces arginine 591 with a stop codon.
Molecular consequence: nonsense.
Genome position (GRCh38, 1-based): chr2:202,555,436, C>T. VCF-style: chr2-202555436-C-T. GRCh37 (hg19) VCF-style: chr2-203420159-C-T.
Other names: c.1771C>T, p.R591* (LRG_712t1); short protein forms R591*.
Identifiers: ClinVar variation 425967 (VCV000425967.6), dbSNP rs777458559, ClinGen allele CA2061449.

ClinVar aggregate classification (germline): Pathogenic/Likely pathogenic. Review status: criteria provided, multiple submitters, no conflicts (2 of 4 stars). 5 submissions from 5 submitters: Pathogenic (3); Likely pathogenic (1). 1 of the submissions does not count toward it. Last evaluated 2025-03-24.

Conditions:
BMPR2-related disorder. Also called: BMPR2-related disorders; BMPR2-related condition.
Primary pulmonary hypertension. Also called: Idiopathic pulmonary hypertension. Identifiers: MedGen C0152171.
Pulmonary hypertension, primary, 1 (PPH1). Also called: Pulmonary hypertension, familial primary, 1, with or without HHT. Identifiers: Orphanet 422, MedGen C4552070, MONDO:0024533, OMIM 178600.

Allele frequency attached by ClinVar (database versions not stated): gnomAD exomes below 0.00001 and 0.00001; gnomAD 0.00001; ExAC 0.00002.
gnomAD v4.1: 8 of 1,614,014 alleles (0.0005%); highest among the groups gnomAD compares: African/African-American, 0.0013%; no homozygotes.

Submissions (5):

Labcorp Genetics (formerly Invitae), Labcorp
Classification: Pathogenic for Primary pulmonary hypertension. Last evaluated: 2025-03-24. Review status: criteria provided, single submitter. Criteria: Invitae Variant Classification Sherloc (09022015). Collection method: clinical testing. Allele origin: germline.
Comment: This sequence change creates a premature translational stop signal (p.Arg591*) in the BMPR2 gene. It is expected to result in an absent or disrupted protein product. Loss-of-function variants in BMPR2 are known to be pathogenic (PMID: 16429395). This variant is present in population databases (rs777458559, gnomAD 0.003%). This premature translational stop signal has been observed in individual(s) with pulmonary arterial hypertension (PMID: 18356561, 34697415). ClinVar contains an entry for this variant (Variation ID: 425967). For these reasons, this variant has been classified as Pathogenic.

Victorian Clinical Genetics Services, Murdoch Childrens Research Institute
Classification: Pathogenic for Pulmonary hypertension, primary, 1. Last evaluated: 2021-05-06. Review status: criteria provided, single submitter. Criteria: ACMG Guidelines, 2015. Collection method: clinical testing. Allele origin: germline. Inheritance: Autosomal dominant inheritance.
Comment: Based on the classification scheme VCGS_Germline_v1.3.4, this variant is classified as Pathogenic. Following criteria are met: 0103 - Loss of function and gain of function are known mechanisms of disease in this gene and are associated with BMPR2-related pulmonary hypertension (MIM#178600) and pulmonary venoocclusive disease 1 (MIM#265450). Dominant negative is also a suggested mechanism of disease (OMIM). (I) 0107 - This gene is associated with autosomal dominant disease. (I) 0112 - The condition associated with this gene has incomplete penetrance (PMID: 33380512). (I) 0201 - Variant is predicted to cause nonsense-mediated decay (NMD) and loss of protein (premature termination codon is located at least 54 nucleotides upstream of the final exon-exon junction). (SP) 0251 - This variant is heterozygous. (I) 0302 - Variant is present in gnomAD (v2) <0.001 for a dominant condition (3 heterozygotes, 0 homozygotes). (SP) 0701 - Other NMD-predicted variants comparable to the one identified in this case have very strong previous evidence for pathogenicity. These variants have been reported many times as pathogenic, and have been observed in individuals with pulmonary arterial hypertension (PAH) (Decipher, PMID: 26387786). (SP) 0803 - This variant has limited previous evidence of pathogenicity in unrelated individuals. This variant has been classified as pathogenic (ClinVar, LOVD) and has been observed in at least one family with PAH (PMID: 26387786, PMID: 18356561). (SP) 1208 - Inheritance information for this variant is not currently available in this individual. (I) Legend: (SP) - Supporting pathogenic, (I) - Information, (SB) - Supporting benign

Medical Genetics and Prenatal Diagnosis Center, Guangxi Academy of Medical Sciences and the People’s Hospital of Guangxi Zhuang Autonomous Region
Classification: Pathogenic for Pulmonary hypertension, primary, 1. Review status: criteria provided, single submitter. Criteria: ACMG Guidelines, 2015. Collection method: clinical testing. Allele origin: maternal. Affected: yes.
Comment: NM_001204.7(BMPR2):c.1771C>T is a nonsense mutation predicted to cause premature termination of protein synthesis. This variant creates a premature termination codon, leading to a truncated protein product and predicted loss of normal gene function (PVS1); literature reports indicate that functional studies suggest this variant causes impaired gene function [PMID: 25429696] (PS3_Supporting); this variant was not detected in the 1000 Genomes Project (1000G) or the China Genome Database, with reported frequencies of 1.65019224739682e-05 and 2.98686e-05 in the Exome Aggregation Consortium (ExAC) and the Genome Aggregation Database (gnomAD), respectively (PM2_Supporting); this known variant is classified as Pathogenic (P) in the ClinVar database and as DM in the HGMD database [PMID: 18356561; 25429696; 33380512; 34697415]. Public database queries indicate that mutations in the gene BMPR2 cause Pulmonary hypertension, familial primary, 1, with or without HHT. In summary, based on the ACMG Guidelines, 2015 (PMID: 25741868), the above evidence supports this variant as Pathogenic, classified as PVS1, PS3_Supporting, and PM2_Supporting.

Rady Children's Institute for Genomic Medicine, Rady Children's Hospital San Diego
Classification: Likely pathogenic for BMPR2-related disorders. Review status: criteria provided, single submitter. Criteria: ACMG Guidelines, 2015. Collection method: clinical testing. Allele origin: germline.
Comment: This nonsense variant found in exon 12 of 13 is predicted to result in loss of normal protein function through either protein truncation or nonsense-mediated mRNA decay. Loss-of-function variation in BMPR2 is an established mechanism of disease (PMID: 36603064). This variant has been previously reported as a heterozygous change in patients with BMPR2-related disorders (PMID: 18356561, 25429696, 26387786). The c.1771C>T (p.Arg591Ter) variant is present in the heterozygous state in the gnomAD population database at a frequency of 0.001% (3/282746) and thus is presumed to be rare. Based on the available evidence, c.1771C>T (p.Arg591Ter) is classified as Likely Pathogenic.

Rare Disease Genomics Group, St George's University of London
Classification: Pathogenic for Primary pulmonary hypertension. Review status: no assertion criteria provided. Collection method: literature only. Allele origin: germline. Affected: yes. Not counted in ClinVar's aggregate classification.

Literature cited by the submitters: PubMed 16429395 (cited by Labcorp Genetics (formerly Invitae), Labcorp); PubMed 18356561 (cited by 4 submitters); PubMed 34697415 (cited by Labcorp Genetics (formerly Invitae), Labcorp and Medical Genetics and Prenatal Diagnosis Center, Guangxi Academy of Medical Sciences and the People’s Hospital of Guangxi Zhuang Autonomous Region); PubMed 26387786 (cited by Victorian Clinical Genetics Services, Murdoch Childrens Research Institute); PubMed 33380512 (cited by Victorian Clinical Genetics Services, Murdoch Childrens Research Institute and Medical Genetics and Prenatal Diagnosis Center, Guangxi Academy of Medical Sciences and the People’s Hospital of Guangxi Zhuang Autonomous Region); PubMed 25429696 (cited by Medical Genetics and Prenatal Diagnosis Center, Guangxi Academy of Medical Sciences and the People’s Hospital of Guangxi Zhuang Autonomous Region).